The following is an entry in ClinVar:

ClinVar aggregate classification (germline): Uncertain significance (1 of 4 stars; one submission).

Submission:

Ambry Genetics
Classification: Uncertain significance. Last evaluated: 2023-03-27. Review status: criteria provided, single submitter. Criteria: Ambry Variant Classification Scheme 2023. Collection method: clinical testing. Allele origin: germline.
Comment: The p.D366N variant (also known as c.1096G>A), located in coding exon 3 of the TERF2IP gene, results from a G to A substitution at nucleotide position 1096. The aspartic acid at codon 366 is replaced by asparagine, an amino acid with highly similar properties. This amino acid position is conserved. In addition, this alteration is predicted to be tolerated by in silico analysis. Since supporting evidence is limited at this time, the clinical significance of this alteration remains unclear.

NM_018975.4(TERF2IP):c.1096G>A (p.Asp366Asn)

Gene: TERF2IP (TERF2 interacting protein; plus strand). Cytogenetic location: 16q23.1.
Variant type: single nucleotide variant.
Coding change: c.1096G>A on transcript NM_018975.4 (MANE Select); coding-DNA position 1096, G replaced by A.
Protein change: p.Asp366Asn; replaces aspartic acid 366 with asparagine.
Molecular consequence: missense variant. On other transcripts: non-coding transcript variant (1).
Genome position (GRCh38, 1-based): chr16:75,656,507, G>A. VCF-style: chr16-75656507-G-A. GRCh37 (hg19) VCF-style: chr16-75690405-G-A.
Other names: short protein forms D366N.
Identifiers: ClinVar variation 2563451 (VCV002563451.2), dbSNP rs2507089849, ClinGen allele CA396820250.